The following is an entry in ClinVar:

NM_024514.5(CYP2R1):c.852G>A (p.Met284Ile)

Genes: PDE3B (phosphodiesterase 3B; plus strand), CYP2R1 (cytochrome P450 family 2 subfamily R member 1; minus strand). Cytogenetic location: 11p15.2.
Variant type: single nucleotide variant.
Coding change: c.852G>A on transcript NM_024514.5 (MANE Select); coding-DNA position 852, G replaced by A.
Protein change: p.Met284Ile; replaces methionine 284 with isoleucine.
Molecular consequence: missense variant.
Genome position (GRCh38, 1-based): chr11:14,880,284, C>T on the plus strand (G>A on the coding strand, the complement: CYP2R1 is on the minus strand). VCF-style: chr11-14880284-C-T. GRCh37 (hg19) VCF-style: chr11-14901830-C-T.
Other names: c.507G>A, p.Met169Ile (NM_001377214.1, NM_001377215.1, NM_001377216.1 and 1 more transcripts); c.690G>A, p.Met230Ile (NM_001377217.1); short protein forms M284I, M169I, M230I.
Identifiers: ClinVar variation 218799 (VCV000218799.9), dbSNP rs782503732, ClinGen allele CA249321.
Genomic context (GRCh38, chr11:14,880,284, plus strand): 5'-CACTGAGAAAATTAGGTTTTCTTTGGAGAAAGTAGATGATGGGTCATTTTTACCTTGATC[C>T]ATCTCATCTAAATAAGCATCAACAAAATGCTGAGGTAGCTGAGGCTTTCTGTTGACTGAA-3'
Protein context (NP_078790.2, residues 274-294): QHFVDAYLDE[Met284Ile]DQGKNDPSST

ClinVar aggregate classification (germline): Uncertain significance. Review status: criteria provided, multiple submitters, no conflicts (2 of 4 stars). 4 submissions from 4 submitters: Uncertain significance (4). Last evaluated 2024-06-17.

Conditions:
Vitamin D hydroxylation-deficient rickets, type 1B. Also called: PSEUDOVITAMIN D3 DEFICIENCY RICKETS DUE TO 25-HYDROXYLASE DEFICIENCY; VITAMIN D-DEPENDENT RICKETS, TYPE 1B; Rickets due to Defect in Vitamin D 25-hydroxylation. Identifiers: Orphanet 289157, MedGen C1838657, MONDO:0010810, OMIM 600081.

Allele frequency attached by ClinVar (database versions not stated): ExAC 0.00001; TOPMed 0.00002; gnomAD exomes 0.00002.
gnomAD v4.1: 38 of 1,613,058 alleles (0.0024%); highest among the groups gnomAD compares: Middle Eastern, 0.51%; 2 homozygotes.

Submissions (4):

Fulgent Genetics
Classification: Uncertain significance for Vitamin D hydroxylation-deficient rickets, type 1B. Last evaluated: 2024-06-17. Review status: criteria provided, single submitter. Criteria: ACMG Guidelines, 2015. Collection method: clinical testing. Allele origin: germline.

Labcorp Genetics (formerly Invitae), Labcorp
Classification: Uncertain significance. Last evaluated: 2022-07-26. Review status: criteria provided, single submitter. Criteria: Invitae Variant Classification Sherloc (09022015). Collection method: clinical testing. Allele origin: germline.
Comment: This sequence change replaces methionine, which is neutral and non-polar, with isoleucine, which is neutral and non-polar, at codon 284 of the CYP2R1 protein (p.Met284Ile). This variant is present in population databases (rs782503732, gnomAD 0.003%). This missense change has been observed in individual(s) with Vogt-Koyanagi-Harada syndrome (PMID: 27716192). ClinVar contains an entry for this variant (Variation ID: 218799). Algorithms developed to predict the effect of missense changes on protein structure and function output the following: SIFT: "Deleterious"; PolyPhen-2: "Benign"; Align-GVGD: "Class C0". The isoleucine amino acid residue is found in multiple mammalian species, which suggests that this missense change does not adversely affect protein function. In summary, the available evidence is currently insufficient to determine the role of this variant in disease. Therefore, it has been classified as a Variant of Uncertain Significance.

Genomic Diagnostic Laboratory, Division of Genomic Diagnostics, Children's Hospital of Philadelphia
Classification: Uncertain significance. Last evaluated: 2015-07-17. Review status: criteria provided, single submitter. Criteria: DGD Variant Analysis Guidelines. Collection method: clinical testing. Allele origin: unknown.

Breakthrough Genomics
Classification: Uncertain significance. Review status: criteria provided, single submitter. Criteria: ACMG Guidelines, 2015. Collection method: not provided. Allele origin: germline. Inheritance: Autosomal recessive inheritance. Affected: yes.

Literature cited by the submitters: PubMed 27716192 (cited by Labcorp Genetics (formerly Invitae), Labcorp).